The following is an entry in ClinVar:

NM_001261826.3(AP3D1):c.1983C>G (p.Asp661Glu)

Gene: AP3D1 (adaptor related protein complex 3 subunit delta 1; minus strand). Cytogenetic location: 19p13.3.
Variant type: single nucleotide variant.
Coding change: c.1983C>G on transcript NM_001261826.3 (MANE Select); coding-DNA position 1983, C replaced by G.
Protein change: p.Asp661Glu; replaces aspartic acid 661 with glutamic acid.
Molecular consequence: missense variant.
Genome position (GRCh38, 1-based): chr19:2,116,623, G>C on the plus strand (C>G on the coding strand, the complement: AP3D1 is on the minus strand). VCF-style: chr19-2116623-G-C. GRCh37 (hg19) VCF-style: chr19-2116622-G-C.
Other names: c.1983C>G, p.Asp661Glu (NM_001374799.1, NM_003938.8); short protein forms D661E.
Identifiers: ClinVar variation 3022017 (VCV003022017.3), dbSNP rs758304730, ClinGen allele CA9059097.

ClinVar aggregate classification (germline): Uncertain significance (1 of 4 stars; one submission).

Allele frequency attached by ClinVar (database versions not stated): 1000 Genomes Project 30x 0.00016.
gnomAD v4.1: 34 of 1,598,112 alleles (0.0021%); highest among the groups gnomAD compares: East Asian, 0.077%; no homozygotes.

Submission:

Labcorp Genetics (formerly Invitae), Labcorp
Classification: Uncertain significance. Last evaluated: 2025-03-07. Review status: criteria provided, single submitter. Criteria: Invitae Variant Classification Sherloc (09022015). Collection method: clinical testing. Allele origin: germline.
Comment: This sequence change replaces aspartic acid, which is acidic and polar, with glutamic acid, which is acidic and polar, at codon 661 of the AP3D1 protein (p.Asp661Glu). This variant is present in population databases (rs758304730, gnomAD 0.02%). This variant has not been reported in the literature in individuals affected with AP3D1-related conditions. ClinVar contains an entry for this variant (Variation ID: 3022017). An algorithm developed to predict the effect of missense changes on protein structure and function (PolyPhen-2) suggests that this variant is likely to be tolerated. In summary, the available evidence is currently insufficient to determine the role of this variant in disease. Therefore, it has been classified as a Variant of Uncertain Significance.